The following is an entry in ClinVar:

ClinVar aggregate classification (germline): Uncertain significance (1 of 4 stars; one submission).

gnomAD v4.1: 26 of 1,613,962 alleles (0.0016%); highest among the groups gnomAD compares: Admixed American, 0.0033%; no homozygotes.

Submission:

Labcorp Genetics (formerly Invitae), Labcorp
Classification: Uncertain significance. Last evaluated: 2024-04-22. Review status: criteria provided, single submitter. Criteria: Invitae Variant Classification Sherloc (09022015). Collection method: clinical testing. Allele origin: germline.
Comment: This sequence change replaces alanine, which is neutral and non-polar, with serine, which is neutral and polar, at codon 1351 of the COL7A1 protein (p.Ala1351Ser). This variant is present in population databases (rs753618163, gnomAD 0.002%). This variant has not been reported in the literature in individuals affected with COL7A1-related conditions. Advanced modeling of protein sequence and biophysical properties (such as structural, functional, and spatial information, amino acid conservation, physicochemical variation, residue mobility, and thermodynamic stability) performed at Invitae indicates that this missense variant is not expected to disrupt COL7A1 protein function with a negative predictive value of 95%. In summary, the available evidence is currently insufficient to determine the role of this variant in disease. Therefore, it has been classified as a Variant of Uncertain Significance.

NM_000094.4(COL7A1):c.4051G>T (p.Ala1351Ser)

Gene: COL7A1 (collagen type VII alpha 1 chain; minus strand). Cytogenetic location: 3p21.31.
Variant type: single nucleotide variant.
Coding change: c.4051G>T on transcript NM_000094.4 (MANE Select); coding-DNA position 4051, G replaced by T.
Protein change: p.Ala1351Ser; replaces alanine 1351 with serine.
Molecular consequence: missense variant.
Genome position (GRCh38, 1-based): chr3:48,584,553, C>A on the plus strand (G>T on the coding strand, the complement: COL7A1 is on the minus strand). VCF-style: chr3-48584553-C-A. GRCh37 (hg19) VCF-style: chr3-48621986-C-A.
Other names: short protein forms A1351S.
Identifiers: ClinVar variation 3707754 (VCV003707754.2).
Genomic context (GRCh38, chr3:48,584,553, plus strand): 5'-CAGGGTCCCCTTTCCGCCCAGGAAGCCCAGGTCCTTCACCTCCGATGACTTGTCCGGGAG[C>A]CCCCTGTAAGGACAGAGAGCAGTGGGCAGGATTCAGGCTATGGGGGCCTTGAGCTGGAAG-3'
Protein context (NP_000085.1, residues 1341-1361): GPRGPKGEPG[Ala1351Ser]PGQVIGGEGP